The following is an entry in ClinVar:

NM_001348716.2(KDM6B):c.910-4A>C

Gene: KDM6B (lysine demethylase 6B; plus strand). Cytogenetic location: 17p13.1.
Variant type: single nucleotide variant.
Coding change: c.910-4A>C on transcript NM_001348716.2 (MANE Select); 4 bases into the intron before coding-DNA position 910, A replaced by C.
Molecular consequence: intron variant.
Genome position (GRCh38, 1-based): chr17:7,847,101, A>C. VCF-style: chr17-7847101-A-C. GRCh37 (hg19) VCF-style: chr17-7750419-A-C.
Other names: c.910-4A>C (NM_001080424.2).
Identifiers: ClinVar variation 4872449 (VCV004872449.2).

ClinVar aggregate classification (germline): Likely benign (1 of 4 stars; one submission).

gnomAD v4.1: 65 of 1,612,308 alleles (0.004%); highest among the groups gnomAD compares: African/African-American, 0.083%; no homozygotes.

Submission:

CeGaT Center for Human Genetics Tuebingen
Classification: Likely benign. Last evaluated: 2026-06-01. Review status: criteria provided, single submitter. Criteria: CeGaT Center For Human Genetics Tuebingen Variant Classification Criteria Version 2. Collection method: clinical testing. Allele origin: germline. Affected: yes. Observed: 1 variant allele.
Comment: KDM6B: BP4